The following is an entry in ClinVar:

ClinVar aggregate classification (germline): Uncertain significance. Review status: criteria provided, multiple submitters, no conflicts (2 of 4 stars). 2 submissions from 2 submitters: Uncertain significance (2). Last evaluated 2025-09-29.

Conditions:
Emery-Dreifuss muscular dystrophy 5, autosomal dominant (EDMD5). Also called: EMERY-DREIFUSS MUSCULAR DYSTROPHY 5. Identifiers: Orphanet 261, MedGen C2751805, MONDO:0013072, OMIM 612999.

Allele frequency attached by ClinVar (database versions not stated): ExAC 0.00001; TOPMed 0.00002; ESP Exome Variant Server 0.00008.
gnomAD v4.1: 49 of 1,613,938 alleles (0.003%); highest among the groups gnomAD compares: African/African-American, 0.0053%; no homozygotes.

Submissions (2):

Labcorp Genetics (formerly Invitae), Labcorp
Classification: Uncertain significance for Emery-Dreifuss muscular dystrophy 5, autosomal dominant. Last evaluated: 2025-09-29. Review status: criteria provided, single submitter. Criteria: Invitae Variant Classification Sherloc (09022015). Collection method: clinical testing. Allele origin: germline.
Comment: This sequence change replaces glycine, which is neutral and non-polar, with valine, which is neutral and non-polar, at codon 6543 of the SYNE2 protein (p.Gly6543Val). This variant is present in population databases (rs138090822, gnomAD 0.004%). This variant has not been reported in the literature in individuals affected with SYNE2-related conditions. ClinVar contains an entry for this variant (Variation ID: 2436787). An algorithm developed to predict the effect of missense changes on protein structure and function (PolyPhen-2) suggests that this variant is likely to be tolerated. In summary, the available evidence is currently insufficient to determine the role of this variant in disease. Therefore, it has been classified as a Variant of Uncertain Significance.

Revvity Omics, Revvity
Classification: Uncertain significance for Emery-Dreifuss muscular dystrophy 5, autosomal dominant. Last evaluated: 2019-02-08. Review status: criteria provided, single submitter. Criteria: ACMG Guidelines, 2015. Collection method: clinical testing. Allele origin: germline.

NM_182914.3(SYNE2):c.19628G>T (p.Gly6543Val)

Gene: SYNE2 (spectrin repeat containing nuclear envelope protein 2; plus strand). Cytogenetic location: 14q23.2.
Variant type: single nucleotide variant.
Coding change: c.19628G>T on transcript NM_182914.3 (MANE Select); coding-DNA position 19628, G replaced by T.
Protein change: p.Gly6543Val; replaces glycine 6543 with valine.
Molecular consequence: missense variant.
Genome position (GRCh38, 1-based): chr14:64,218,483, G>T. VCF-style: chr14-64218483-G-T. GRCh37 (hg19) VCF-style: chr14-64685201-G-T.
Other names: c.19559G>T, p.Gly6520Val (NM_015180.6); c.152G>T, p.Gly51Val (NM_182910.2); c.530G>T, p.Gly177Val (NM_182913.4); short protein forms G177V, G51V, G6520V, G6543V.
Identifiers: ClinVar variation 2436787 (VCV002436787.6), dbSNP rs138090822, ClinGen allele CA7224522.
Genomic context (GRCh38, chr14:64,218,483, plus strand): 5'-CGGATGGTGGCAAAGAAGGCCCGCGAGTCCTGAATGGCAACCCACAGCAGGAAGACGGGG[G>T]ACTGGCCGGTATCACAGAGCAGCAGTCAGGTACTGCCTGTAACTGGCAGTCGTCCAGAGA-3'
Protein context (NP_878918.2, residues 6533-6553): LNGNPQQEDG[Gly6543Val]LAGITEQQSG